The following is an entry in ClinVar:

NM_001303256.3(MORC2):c.1499-3C>T

Gene: MORC2 (MORC family CW-type zinc finger 2; minus strand). Cytogenetic location: 22q12.2.
Variant type: single nucleotide variant.
Coding change: c.1499-3C>T on transcript NM_001303256.3 (MANE Select); 3 bases into the intron before coding-DNA position 1499, C replaced by T.
Molecular consequence: intron variant.
Genome position (GRCh38, 1-based): chr22:30,937,040, G>A on the plus strand (C>T on the coding strand, the complement: MORC2 is on the minus strand). VCF-style: chr22-30937040-G-A. GRCh37 (hg19) VCF-style: chr22-31333027-G-A.
Other names: c.1499-3C>T (NM_001303257.2); c.1313-3C>T (NM_014941.3).
Identifiers: ClinVar variation 1022095 (VCV001022095.7), dbSNP rs1266866371, ClinGen allele CA752365449.

ClinVar aggregate classification (germline): Uncertain significance (1 of 4 stars; one submission).

Conditions:
Charcot-Marie-Tooth disease axonal type 2Z. Also called: CHARCOT-MARIE-TOOTH DISEASE, AXONAL, AUTOSOMAL DOMINANT, TYPE 2Z; CHARCOT-MARIE-TOOTH NEUROPATHY, TYPE 2Z. Identifiers: Orphanet 466768, MedGen C5569025, MONDO:0014736, OMIM 616688.

Allele frequency attached by ClinVar (database versions not stated): gnomAD 0.00001; TOPMed 0.00001.
gnomAD v4.1: 2 of 1,609,504 alleles (0.00012%); highest among the groups gnomAD compares: African/African-American, 0.0027%; no homozygotes.

Submission:

Labcorp Genetics (formerly Invitae), Labcorp
Classification: Uncertain significance for Charcot-Marie-Tooth disease axonal type 2Z. Last evaluated: 2021-04-29. Review status: criteria provided, single submitter. Criteria: Invitae Variant Classification Sherloc (09022015). Collection method: clinical testing. Allele origin: germline.
Comment: Nucleotide substitutions within the consensus splice site are a relatively common cause of aberrant splicing (PMID: 17576681, 9536098). Experimental studies and prediction algorithms are not available or were not evaluated, and the effect of this variant on mRNA splicing is currently unknown. In summary, the available evidence is currently insufficient to determine the role of this variant in disease. Therefore, it has been classified as a Variant of Uncertain Significance. This variant has not been reported in the literature in individuals with MORC2-related conditions. This variant is not present in population databases (ExAC no frequency). This sequence change falls in intron 15 of the MORC2 gene. It does not directly change the encoded amino acid sequence of the MORC2 protein, but it affects a nucleotide within the consensus splice site of the intron.

Literature cited by the submitters: PubMed 17576681; PubMed 9536098.